The following is an entry in ClinVar:

ClinVar aggregate classification (germline): Uncertain significance. Review status: criteria provided, multiple submitters, no conflicts (2 of 4 stars). 3 submissions from 3 submitters: Uncertain significance (3). Last evaluated 2025-06-08.

Allele frequency attached by ClinVar (database versions not stated): TOPMed 0.00002; gnomAD 0.00003 and 0.00004; gnomAD exomes 0.00003 and 0.00006; ExAC 0.00007.
gnomAD v4.1: 56 of 1,610,452 alleles (0.0035%); highest among the groups gnomAD compares: African/African-American, 0.0027%; no homozygotes.

Submissions (3):

Labcorp Genetics (formerly Invitae), Labcorp
Classification: Uncertain significance. Last evaluated: 2025-06-08. Review status: criteria provided, single submitter. Criteria: Invitae Variant Classification Sherloc (09022015). Collection method: clinical testing. Allele origin: germline.
Comment: This sequence change replaces glycine, which is neutral and non-polar, with glutamic acid, which is acidic and polar, at codon 1227 of the LAMA1 protein (p.Gly1227Glu). This variant is present in population databases (rs761583943, gnomAD 0.04%). This variant has not been reported in the literature in individuals affected with LAMA1-related conditions. ClinVar contains an entry for this variant (Variation ID: 808349). Invitae Evidence Modeling of protein sequence and biophysical properties (such as structural, functional, and spatial information, amino acid conservation, physicochemical variation, residue mobility, and thermodynamic stability) has been performed for this missense variant. However, the output from this modeling did not meet the statistical confidence thresholds required to predict the impact of this variant on LAMA1 protein function. In summary, the available evidence is currently insufficient to determine the role of this variant in disease. Therefore, it has been classified as a Variant of Uncertain Significance.

Blueprint Genetics
Classification: Uncertain significance. Last evaluated: 2024-04-18. Review status: criteria provided, single submitter. Criteria: ACMG Guidelines, 2015. Collection method: clinical testing. Allele origin: germline.

CeGaT Center for Human Genetics Tuebingen
Classification: Uncertain significance. Last evaluated: 2016-08-01. Review status: criteria provided, single submitter. Criteria: CeGaT Center For Human Genetics Tuebingen Variant Classification Criteria Version 2. Collection method: clinical testing. Allele origin: germline. Affected: yes. Observed: 1 variant allele.

NM_005559.4(LAMA1):c.3680G>A (p.Gly1227Glu)

Gene: LAMA1 (laminin subunit alpha 1; minus strand). Cytogenetic location: 18p11.31.
Variant type: single nucleotide variant.
Coding change: c.3680G>A on transcript NM_005559.4 (MANE Select); coding-DNA position 3680, G replaced by A.
Protein change: p.Gly1227Glu; replaces glycine 1227 with glutamic acid.
Molecular consequence: missense variant.
Genome position (GRCh38, 1-based): chr18:7,011,307, C>T on the plus strand (G>A on the coding strand, the complement: LAMA1 is on the minus strand). VCF-style: chr18-7011307-C-T. GRCh37 (hg19) VCF-style: chr18-7011306-C-T.
Other names: short protein forms G1227E.
Identifiers: ClinVar variation 808349 (VCV000808349.48), dbSNP rs761583943, ClinGen allele CA8882198.